The following is an entry in ClinVar:

ClinVar aggregate classification (germline): Benign. Review status: criteria provided, single submitter (1 of 4 stars). 2 submissions from 2 submitters: Benign (1). 1 of the submissions does not count toward it. Last evaluated 2026-02-04.

Conditions:
ADGRE2-related disorder. Also called: ADGRE2-related condition.

Allele frequency attached by ClinVar (database versions not stated): 1000 Genomes Project 0.07708; 1000 Genomes Project 30x 0.08651; gnomAD exomes 0.00644; ExAC 0.02229; TOPMed 0.07850; ESP Exome Variant Server 0.08189; gnomAD 0.07032.
gnomAD v4.1: 20,427 of 1,606,770 alleles (1.3%); highest among the groups gnomAD compares: African/African-American, 24%; 2,381 homozygotes.

Submissions (2):

Labcorp Genetics (formerly Invitae), Labcorp
Classification: Benign. Last evaluated: 2026-02-04. Review status: criteria provided, single submitter. Criteria: Invitae Variant Classification Sherloc (09022015). Collection method: clinical testing. Allele origin: germline.

PreventionGenetics, part of Exact Sciences
Classification: Benign for ADGRE2-related condition. Last evaluated: 2019-11-07. Review status: no assertion criteria provided. Collection method: clinical testing. Allele origin: germline. Not counted in ClinVar's aggregate classification.
Comment: This variant is classified as benign based on ACMG/AMP sequence variant interpretation guidelines (Richards et al. 2015 PMID: 25741868, with internal and published modifications).

NM_013447.4(ADGRE2):c.2160A>C (p.Glu720Asp)

Gene: ADGRE2 (adhesion G protein-coupled receptor E2; minus strand). Cytogenetic location: 19p13.12.
Variant type: single nucleotide variant.
Coding change: c.2160A>C on transcript NM_013447.4 (MANE Select); coding-DNA position 2160, A replaced by C.
Protein change: p.Glu720Asp; replaces glutamic acid 720 with aspartic acid.
Molecular consequence: missense variant.
Genome position (GRCh38, 1-based): chr19:14,746,255, T>G on the plus strand (A>C on the coding strand, the complement: ADGRE2 is on the minus strand). VCF-style: chr19-14746255-T-G. GRCh37 (hg19) VCF-style: chr19-14857067-T-G.
Other names: c.1986A>C, p.Glu662Asp (NM_001271052.1); c.2013A>C, p.Glu671Asp (NM_152916.2); c.1881A>C, p.Glu627Asp (NM_152917.2); c.2160A>C (NM_013447.3); short protein forms E662D, E720D, E627D, E671D.
Identifiers: ClinVar variation 2126075 (VCV002126075.6), dbSNP rs57865820, ClinGen allele CA9257455.